The following is an entry in ClinVar:

ClinVar aggregate classification (germline): Likely pathogenic (1 of 4 stars; one submission).

Conditions:
Hypotonia, ataxia, and delayed development syndrome (HADDS). Also called: EBF3 Neurodevelopmental Disorder. Identifiers: Orphanet 658843, MedGen C4310618, MONDO:0015021, OMIM 617330.

Submission:

3billion
Classification: Likely pathogenic for Hypotonia, ataxia, and delayed development syndrome. Last evaluated: 2025-07-17. Review status: criteria provided, single submitter. Criteria: ACMG Guidelines, 2015. Collection method: clinical testing. Allele origin: germline. Affected: yes.
Comment: The variant is not observed in the gnomAD v4.1.0 dataset. Predicted Consequence/Location: Frameshift: predicted to result in a loss or disruption of normal protein function through nonsense-mediated decay (NMD) or protein truncation. Multiple pathogenic variants are reported downstream of the variant. Therefore, this variant is classified as Likely pathogenic according to the recommendation of ACMG/AMP guideline.

NM_001375380.1(EBF3):c.694_695del (p.Met232fs)

Gene: EBF3 (EBF transcription factor 3; minus strand). Cytogenetic location: 10q26.3.
Variant type: Deletion.
Coding change: c.694_695del on transcript NM_001375380.1 (MANE Select); coding-DNA positions 694 to 695, 2 bases deleted (AT; older notation c.694_695delAT).
Protein change: p.Met232fs; shifts the reading frame from methionine 232.
Molecular consequence: frameshift variant.
Genome position (GRCh38, 1-based): chr10:129,873,538-129,873,539, AT deleted on the plus strand (AT on the coding strand, the reverse complement: EBF3 is on the minus strand). VCF-style (leftmost placement, unchanged base first): chr10-129873537-CAT-C. GRCh37 (hg19) VCF-style: chr10-131671801-CAT-C.
Other names: c.694_695del, p.Met232fs (NM_001005463.3, NM_001375379.1, NM_001375389.1 and 3 more transcripts); short protein forms M232fs.
Identifiers: ClinVar variation 4854573 (VCV004854573.1).